The following is an entry in ClinVar:

ClinVar aggregate classification (germline): Uncertain significance (1 of 4 stars; one submission).

Allele frequency attached by ClinVar (database versions not stated): gnomAD 0.00002; TOPMed 0.00004.
gnomAD v4.1: 21 of 1,551,194 alleles (0.0014%); highest among the groups gnomAD compares: South Asian, 0.0083%; no homozygotes.

Submission:

Labcorp Genetics (formerly Invitae), Labcorp
Classification: Uncertain significance. Last evaluated: 2024-08-05. Review status: criteria provided, single submitter. Criteria: Invitae Variant Classification Sherloc (09022015). Collection method: clinical testing. Allele origin: germline.
Comment: This sequence change replaces arginine, which is basic and polar, with glutamine, which is neutral and polar, at codon 217 of the KPNA7 protein (p.Arg217Gln). This variant is not present in population databases (gnomAD no frequency). This variant has not been reported in the literature in individuals affected with KPNA7-related conditions. ClinVar contains an entry for this variant (Variation ID: 1508506). Advanced modeling of protein sequence and biophysical properties (such as structural, functional, and spatial information, amino acid conservation, physicochemical variation, residue mobility, and thermodynamic stability) performed at Invitae indicates that this missense variant is not expected to disrupt KPNA7 protein function with a negative predictive value of 80%. In summary, the available evidence is currently insufficient to determine the role of this variant in disease. Therefore, it has been classified as a Variant of Uncertain Significance.

NM_001145715.3(KPNA7):c.650G>A (p.Arg217Gln)

Gene: KPNA7 (karyopherin subunit alpha 7; minus strand). Cytogenetic location: 7q22.1.
Variant type: single nucleotide variant.
Coding change: c.650G>A on transcript NM_001145715.3 (MANE Select); coding-DNA position 650, G replaced by A.
Protein change: p.Arg217Gln; replaces arginine 217 with glutamine.
Molecular consequence: missense variant.
Genome position (GRCh38, 1-based): chr7:99,188,550, C>T on the plus strand (G>A on the coding strand, the complement: KPNA7 is on the minus strand). VCF-style: chr7-99188550-C-T. GRCh37 (hg19) VCF-style: chr7-98786173-C-T.
Other names: short protein forms R217Q.
Identifiers: ClinVar variation 1508506 (VCV001508506.6), dbSNP rs745689829, ClinGen allele CA163745818.